The following is an entry in ClinVar:

NM_000890.5(KCNJ5):c.473C>G (p.Thr158Arg)

Gene: KCNJ5 (potassium inwardly rectifying channel subfamily J member 5; plus strand). Cytogenetic location: 11q24.3.
Variant type: single nucleotide variant.
Coding change: c.473C>G on transcript NM_000890.5 (MANE Select); coding-DNA position 473, C replaced by G.
Protein change: p.Thr158Arg; replaces threonine 158 with arginine.
Molecular consequence: missense variant.
Genome position (GRCh38, 1-based): chr11:128,911,746, C>G. VCF-style: chr11-128911746-C-G. GRCh37 (hg19) VCF-style: chr11-128781641-C-G.
Other names: c.473C>G, p.Thr158Arg (NM_001354169.2); c.473C>G (NM_000890.3); short protein forms T158R.
Identifiers: ClinVar variation 1467663 (VCV001467663.9), dbSNP rs145901904, ClinGen allele CA6357880.

ClinVar aggregate classification (germline): Conflicting classifications of pathogenicity. Review status: criteria provided, conflicting classifications (1 of 4 stars). 2 submissions from 2 submitters: Likely pathogenic (1); Uncertain significance (1). Last evaluated 2025-05-13.

Conditions:
Long QT syndrome (LQTS). Identifiers: MedGen C0023976, MeSH D008133, MONDO:0002442. Disease mechanism: loss of function. Inheritance: Various modes of inheritance.
KCNJ5-related disorder. Also called: KCNJ5-related condition.

Allele frequency attached by ClinVar (database versions not stated): ExAC 0.00001; gnomAD exomes 0.00001; 1000 Genomes Project 30x 0.00016; 1000 Genomes Project 0.00020.
gnomAD v4.1: 2 of 1,614,180 alleles (0.00012%); highest among the groups gnomAD compares: East Asian, 0.0022%; no homozygotes.

Submissions (2):

PreventionGenetics, part of Exact Sciences
Classification: Uncertain significance for KCNJ5-related condition. Last evaluated: 2025-05-13. Review status: criteria provided, single submitter. Criteria: ACMG Guidelines, 2015. Collection method: clinical testing. Allele origin: germline.
Comment: The KCNJ5 c.473C>G variant is predicted to result in the amino acid substitution p.Thr158Arg. To our knowledge, this variant has not been reported in the literature. This variant is reported in 0.011% of alleles in individuals of East Asian descent in gnomAD. A different missense substitution of the same amino acid (p.Thr158Ala) has been reported in individuals with primary hyperaldosteronism and shown to be functionally damaging (Choi et al. 2011. PubMed ID: 21311022; Oki et al. 2012. PubMed ID: 22315453; Kokunai et al. 2014. PubMed ID: 24574546; Hattangady et al. 2016. PubMed ID: 27099398). At this time, the clinical significance of the p.Thr158Arg variant is uncertain due to the absence of conclusive functional and genetic evidence.

Labcorp Genetics (formerly Invitae), Labcorp
Classification: Likely pathogenic for Long QT syndrome. Last evaluated: 2021-03-23. Review status: criteria provided, single submitter. Criteria: Invitae Variant Classification Sherloc (09022015). Collection method: clinical testing. Allele origin: germline.
Comment: In summary, the currently available evidence indicates that the variant is pathogenic, but additional data are needed to prove that conclusively. Therefore, this variant has been classified as Likely Pathogenic. This variant disrupts the p.Thr158 amino acid residue in KCNJ5. Other variant(s) that disrupt this residue have been determined to be pathogenic (PMID: 21311022, 22315453, 24574546, 27099398). This suggests that this residue is clinically significant, and that variants that disrupt this residue are likely to be disease-causing. Advanced modeling of protein sequence and biophysical properties (such as structural, functional, and spatial information, amino acid conservation, physicochemical variation, residue mobility, and thermodynamic stability) performed at Invitae indicates that this missense variant is expected to disrupt KCNJ5 protein function. This variant has not been reported in the literature in individuals with KCNJ5-related conditions. This variant is present in population databases (rs145901904, ExAC 0.01%). This sequence change replaces threonine with arginine at codon 158 of the KCNJ5 protein (p.Thr158Arg). The threonine residue is highly conserved and there is a moderate physicochemical difference between threonine and arginine.

Literature cited by the submitters: PubMed 21311022 (cited by Labcorp Genetics (formerly Invitae), Labcorp); PubMed 22315453 (cited by Labcorp Genetics (formerly Invitae), Labcorp); PubMed 24574546 (cited by Labcorp Genetics (formerly Invitae), Labcorp); PubMed 27099398 (cited by Labcorp Genetics (formerly Invitae), Labcorp).